The following is an entry in ClinVar:

ClinVar aggregate classification (germline): Likely benign; other. Review status: criteria provided, multiple submitters, no conflicts (2 of 4 stars). 3 submissions from 3 submitters: Likely benign (1). 1 of the submissions does not count toward it. Last evaluated 2018-08-06.

Conditions:
Tramadol response. Also called: Ultram response. Identifiers: MedGen CN078023.

Submissions (3):

Eurofins Ntd Llc (ga)
Classification: other. Last evaluated: 2018-08-06. Review status: criteria provided, single submitter. Criteria: EGL ClinVar v180209 classification definitions. Collection method: clinical testing. Allele origin: germline.

GeneDx
Classification: Likely benign. Last evaluated: 2018-04-12. Review status: criteria provided, single submitter. Criteria: GeneDx Variant Classification (06012015). Collection method: clinical testing. Allele origin: germline. Affected: yes.
Comment: This variant is considered likely benign or benign based on one or more of the following criteria: it is a conservative change, it occurs at a poorly conserved position in the protein, it is predicted to be benign by multiple in silico algorithms, and/or has population frequency not consistent with disease.

Bruce Budowle Laboratory, University of North Texas Health Science Center
Classification: drug response for Tramadol response. Last evaluated: 2018-04-28. Review status: no assertion criteria provided. Collection method: research. Allele origin: somatic. Affected: yes. Observed: 34 variant alleles. Not counted in ClinVar's aggregate classification.

NM_000106.6(CYP2D6):c.841_843del (p.Lys281del)

Gene: CYP2D6 (cytochrome P450 family 2 subfamily D member 6 (gene/pseudogene); minus strand). Cytogenetic location: 22q13.2.
Variant type: Deletion.
Coding change: c.841_843del on transcript NM_000106.6 (MANE Select); coding-DNA positions 841 to 843, 3 bases deleted (AAG; older notation c.841_843delAAG).
Protein change: p.Lys281del; deletes lysine 281.
Molecular consequence: inframe deletion.
Genome position (GRCh38, 1-based): chr22:42,128,174-42,128,176, CTT deleted on the plus strand (AAG on the coding strand, the reverse complement: CYP2D6 is on the minus strand); deleting any 3 consecutive bases within chr22:42,128,174-42,128,178 gives the same sequence; the c. name uses the placement nearest the transcript's 3' end. VCF-style (leftmost placement, unchanged base first): chr22-42128173-CCTT-C. GRCh37 (hg19) VCF-style: chr22-42524175-CCTT-C.
Other names: 2615_2617delAAG; CYP2D6*9; c.841_843delAAG (NM_000106.5); c.688_690del, p.Lys230del (NM_001025161.3); short protein forms K281del, K230del.
Identifiers: ClinVar variation 617719 (VCV000617719.3), dbSNP rs5030656, ClinGen allele CA10264848.